The following is an entry in ClinVar:

ClinVar aggregate classification (germline): Likely benign (0 of 4 stars; one submission).

Conditions:
NCOR2-related disorder. Also called: NCOR2-related condition.

Allele frequency attached by ClinVar (database versions not stated): ESP Exome Variant Server 0.00008; ExAC 0.00011; 1000 Genomes Project 30x 0.00016; 1000 Genomes Project 0.00020; gnomAD 0.00021; gnomAD exomes 0.00030; TOPMed 0.00030.
gnomAD v4.1: 474 of 1,610,624 alleles (0.029%); highest among the groups gnomAD compares: Non-Finnish European, 0.036%; no homozygotes.

Submissions (5):

PreventionGenetics, part of Exact Sciences
Classification: Likely benign for NCOR2-related condition. Last evaluated: 2023-06-02. Review status: no assertion criteria provided. Collection method: clinical testing. Allele origin: germline.
Comment: This variant is classified as likely benign based on ACMG/AMP sequence variant interpretation guidelines (Richards et al. 2015 PMID: 25741868, with internal and published modifications).

Dr. Peter K. Rogan Lab, Western University
No classification provided (evidence only). Condition: Lung cancer. Review status: no classification provided. Collection method: in vitro. Allele origin: not applicable. Functional consequence: retained intron. Not counted in ClinVar's aggregate classification.

Dr. Peter K. Rogan Lab, Western University
No classification provided (evidence only). Condition: Uterine corpus endometrial carcinoma. Review status: no classification provided. Collection method: in vitro. Allele origin: not applicable. Functional consequence: retained intron. Not counted in ClinVar's aggregate classification.

Dr. Peter K. Rogan Lab, Western University
No classification provided (evidence only). Condition: Sarcoma. Review status: no classification provided. Collection method: in vitro. Allele origin: not applicable. Functional consequence: retained intron. Not counted in ClinVar's aggregate classification.

Dr. Peter K. Rogan Lab, Western University
No classification provided (evidence only). Condition: Adrenocortical carcinoma, hereditary. Review status: no classification provided. Collection method: in vitro. Allele origin: not applicable. Functional consequence: retained intron. Not counted in ClinVar's aggregate classification.

NM_006312.6(NCOR2):c.5148C>T (p.Arg1716=)

Gene: NCOR2 (nuclear receptor corepressor 2; minus strand). Cytogenetic location: 12q24.31.
Variant type: single nucleotide variant.
Coding change: c.5148C>T on transcript NM_006312.6 (MANE Select); coding-DNA position 5148, C replaced by T.
Protein change: p.Arg1716=; no amino-acid change (arginine 1716 retained).
Molecular consequence: synonymous variant.
Genome position (GRCh38, 1-based): chr12:124,341,863, G>A on the plus strand (C>T on the coding strand, the complement: NCOR2 is on the minus strand). VCF-style: chr12-124341863-G-A. GRCh37 (hg19) VCF-style: chr12-124826409-G-A.
Other names: NC_000012.11:g.124826409G>A; c.5118C>T, p.Arg1706= (NM_001077261.4, NM_001206654.2).
Identifiers: ClinVar variation 3048655 (VCV003048655.3), dbSNP rs199960469, ClinGen allele CA6868067.